The following is an entry in ClinVar:

NM_014991.6(WDFY3):c.1735A>G (p.Ile579Val)

Gene: WDFY3 (WD repeat and FYVE domain containing 3; minus strand). Cytogenetic location: 4q21.23.
Variant type: single nucleotide variant.
Coding change: c.1735A>G on transcript NM_014991.6 (MANE Select); coding-DNA position 1735, A replaced by G.
Protein change: p.Ile579Val; replaces isoleucine 579 with valine.
Molecular consequence: missense variant.
Genome position (GRCh38, 1-based): chr4:84,817,544, T>C on the plus strand (A>G on the coding strand, the complement: WDFY3 is on the minus strand). VCF-style: chr4-84817544-T-C. GRCh37 (hg19) VCF-style: chr4-85738697-T-C.
Other names: short protein forms I579V.
Identifiers: ClinVar variation 5009621 (VCV005009621.1).
Genomic context (GRCh38, chr4:84,817,544, plus strand): 5'-AGAGCACCAGCTGTTGGATAGTCATCAAGGCATGCTGCCGGCATTGAGGGTACTTTACTA[T>C]ATTATGTGCACATCTTGCACCTCCAAATTCTCGAAAAATTCCTTGAAGGAAGGAGAAAAA-3'
Protein context (NP_055806.2, residues 569-589): EFGGARCAHN[Ile579Val]VKYPQCRQHA

ClinVar aggregate classification (germline): Uncertain significance (1 of 4 stars; one submission).

Submission:

GeneDx
Classification: Uncertain significance. Last evaluated: 2026-02-11. Review status: criteria provided, single submitter. Criteria: GeneDx Variant Classification Process June 2021. Collection method: clinical testing. Allele origin: germline.
Comment: Not observed at significant frequency in large population cohorts (gnomAD); In silico analysis suggests that this missense variant does not alter protein structure/function; Has not been previously published as pathogenic or benign to our knowledge